The following is an entry in ClinVar:

NM_000245.4(MET):c.86C>G (p.Ala29Gly)

Gene: MET (MET proto-oncogene, receptor tyrosine kinase; plus strand). Cytogenetic location: 7q31.2.
Variant type: single nucleotide variant.
Coding change: c.86C>G on transcript NM_000245.4 (MANE Select); coding-DNA position 86, C replaced by G.
Protein change: p.Ala29Gly; replaces alanine 29 with glycine.
Molecular consequence: missense variant. On other transcripts: intron variant (1).
Genome position (GRCh38, 1-based): chr7:116,699,170, C>G. VCF-style: chr7-116699170-C-G. GRCh37 (hg19) VCF-style: chr7-116339224-C-G.
Other names: c.86C>G, p.Ala29Gly (NM_001127500.3, NM_001324401.3); c.-91+26593C>G (NM_001324402.2); short protein forms A29G.
Identifiers: ClinVar variation 1764356 (VCV001764356.2), dbSNP rs775439897, ClinGen allele CA368968311.
Genomic context (GRCh38, chr7:116,699,170, plus strand): 5'-CTGGCATCCTCGTGCTCCTGTTTACCTTGGTGCAGAGGAGCAATGGGGAGTGTAAAGAGG[C>G]ACTAGCAAAGTCCGAGATGAATGTGAATATGAAGTATCAGCTTCCCAACTTCACCGCGGA-3'
Protein context (NP_000236.2, residues 19-39): VQRSNGECKE[Ala29Gly]LAKSEMNVNM

ClinVar aggregate classification (germline): Uncertain significance (1 of 4 stars; one submission).

Conditions:
Hereditary cancer-predisposing syndrome. Also called: Neoplastic Syndromes, Hereditary; Tumor predisposition; Hereditary Cancer Syndrome; Hereditary neoplastic syndrome. Identifiers: Orphanet 140162, MedGen C0027672, MeSH D009386, MONDO:0015356.

Submission:

Ambry Genetics
Classification: Uncertain significance for Hereditary cancer-predisposing syndrome. Last evaluated: 2022-01-21. Review status: criteria provided, single submitter. Criteria: Ambry Variant Classification Scheme 2023. Collection method: clinical testing. Allele origin: germline.
Comment: The p.A29G variant (also known as c.86C>G), located in coding exon 1 of the MET gene, results from a C to G substitution at nucleotide position 86. The alanine at codon 29 is replaced by glycine, an amino acid with similar properties. This amino acid position is conserved. In addition, the in silico prediction for this alteration is inconclusive. Since supporting evidence is limited at this time, the clinical significance of this alteration remains unclear.